The following is an entry in ClinVar:

ClinVar aggregate classification (germline): Uncertain significance (1 of 4 stars; one submission).

Conditions:
TP63-Related Spectrum Disorders.

gnomAD v4.1: 6 of 1,612,406 alleles (0.00037%); highest among the groups gnomAD compares: Middle Eastern, 0.083%; 1 homozygote.

Submission:

Labcorp Genetics (formerly Invitae), Labcorp
Classification: Uncertain significance. Last evaluated: 2023-02-22. Review status: criteria provided, single submitter. Criteria: Invitae Variant Classification Sherloc (09022015). Collection method: clinical testing. Allele origin: germline.
Comment: In summary, the available evidence is currently insufficient to determine the role of this variant in disease. Therefore, it has been classified as a Variant of Uncertain Significance. Variants that disrupt the consensus splice site are a relatively common cause of aberrant splicing (PMID: 17576681, 9536098). Algorithms developed to predict the effect of sequence changes on RNA splicing suggest that this variant is not likely to affect RNA splicing. This variant has not been reported in the literature in individuals affected with TP63-related conditions. This variant is present in population databases (rs781526897, gnomAD no frequency). This sequence change falls in intron 9 of the TP63 gene. It does not directly change the encoded amino acid sequence of the TP63 protein. It affects a nucleotide within the consensus splice site.

Literature cited by the submitters: PubMed 17576681; PubMed 9536098.

NM_003722.5(TP63):c.1212+4G>C

Gene: TP63 (tumor protein p63; plus strand). Cytogenetic location: 3q28.
Variant type: single nucleotide variant.
Coding change: c.1212+4G>C on transcript NM_003722.5 (MANE Select); 4 bases into the intron after coding-DNA position 1212, G replaced by C.
Molecular consequence: intron variant.
Genome position (GRCh38, 1-based): chr3:189,869,410, G>C. VCF-style: chr3-189869410-G-C. GRCh37 (hg19) VCF-style: chr3-189587199-G-C.
Other names: c.1206+4G>C (NM_001329964.2); c.1212+4G>C (NM_001114978.2, NM_001329144.2, NM_001114979.2); c.1200+4G>C (NM_001329148.2); c.930+4G>C (NM_001114980.2, NM_001114981.2, NM_001329145.2 and 1 more transcripts); c.918+4G>C (NM_001329149.2); c.675+4G>C (NM_001329146.2); c.663+4G>C (NM_001329150.2).
Identifiers: ClinVar variation 2793817 (VCV002793817.2), dbSNP rs781526897, ClinGen allele CA2752371.
Genomic context (GRCh38, chr3:189,869,410, plus strand): 5'-CAGATGACATCCATCAAGAAACGAAGATCCCCAGATGATGAACTGTTATACTTACCAGTA[G>C]GTCTTCCTTGGGTGTTCATGGTTGCTTCATTTTAACCTTCTTTGAATGGGCTTTTACAGT-3'